The following is an entry in ClinVar:

ClinVar aggregate classification (germline): Uncertain significance. Review status: criteria provided, multiple submitters, no conflicts (2 of 4 stars). 3 submissions from 3 submitters: Uncertain significance (3). Last evaluated 2025-09-01.

Conditions:
Megalencephaly-polymicrogyria-postaxial polydactyly-hydrocephalus syndrome. Also called: MPPH Syndrome; MEG-PMG-MEGACC SYNDROME. Identifiers: Orphanet 83473, MedGen C1863924, MONDO:0019375.

Allele frequency attached by ClinVar (database versions not stated): gnomAD exomes below 0.00001 and 0.00001; TOPMed below 0.00001; ExAC 0.00003; ESP Exome Variant Server 0.00008.
gnomAD v4.1: 6 of 1,613,544 alleles (0.00037%); highest among the groups gnomAD compares: Non-Finnish European, 0.00051%; no homozygotes.

Submissions (3):

CeGaT Center for Human Genetics Tuebingen
Classification: Uncertain significance. Last evaluated: 2025-09-01. Review status: criteria provided, single submitter. Criteria: CeGaT Center For Human Genetics Tuebingen Variant Classification Criteria Version 2. Collection method: clinical testing. Allele origin: germline. Affected: yes. Observed: 1 variant allele.
Comment: PIK3R2: PP3

Labcorp Genetics (formerly Invitae), Labcorp
Classification: Uncertain significance for Megalencephaly-polymicrogyria-postaxial polydactyly-hydrocephalus syndrome. Last evaluated: 2024-03-08. Review status: criteria provided, single submitter. Criteria: Invitae Variant Classification Sherloc (09022015). Collection method: clinical testing. Allele origin: germline.
Comment: This sequence change replaces proline, which is neutral and non-polar, with threonine, which is neutral and polar, at codon 348 of the PIK3R2 protein (p.Pro348Thr). This variant is present in population databases (rs368358984, gnomAD 0.003%). This variant has not been reported in the literature in individuals affected with PIK3R2-related conditions. ClinVar contains an entry for this variant (Variation ID: 1308825). Advanced modeling of protein sequence and biophysical properties (such as structural, functional, and spatial information, amino acid conservation, physicochemical variation, residue mobility, and thermodynamic stability) performed at Invitae indicates that this missense variant is not expected to disrupt PIK3R2 protein function with a negative predictive value of 80%. In summary, the available evidence is currently insufficient to determine the role of this variant in disease. Therefore, it has been classified as a Variant of Uncertain Significance.

GeneDx
Classification: Uncertain significance. Last evaluated: 2019-09-30. Review status: criteria provided, single submitter. Criteria: GeneDx Variant Classification Process June 2021. Collection method: clinical testing. Allele origin: germline. Affected: yes.
Comment: In silico analysis, which includes protein predictors and evolutionary conservation, supports a deleterious effect; Has not been previously published as pathogenic or benign to our knowledge

NM_005027.4(PIK3R2):c.1042C>A (p.Pro348Thr)

Gene: PIK3R2 (phosphoinositide-3-kinase regulatory subunit 2; plus strand). Cytogenetic location: 19p13.11.
Variant type: single nucleotide variant.
Coding change: c.1042C>A on transcript NM_005027.4 (MANE Select); coding-DNA position 1042, C replaced by A.
Protein change: p.Pro348Thr; replaces proline 348 with threonine.
Molecular consequence: missense variant. On other transcripts: non-coding transcript variant (2).
Genome position (GRCh38, 1-based): chr19:18,162,439, C>A. VCF-style: chr19-18162439-C-A. GRCh37 (hg19) VCF-style: chr19-18273249-C-A.
Other names: short protein forms P348T.
Identifiers: ClinVar variation 1308825 (VCV001308825.14), dbSNP rs368358984, ClinGen allele CA9306906.